The following is an entry in ClinVar:

NM_001134407.3(GRIN2A):c.942C>T (p.Pro314=)

Gene: GRIN2A (glutamate ionotropic receptor NMDA type subunit 2A; minus strand). Cytogenetic location: 16p13.2.
Variant type: single nucleotide variant.
Coding change: c.942C>T on transcript NM_001134407.3 (MANE Select); coding-DNA position 942, C replaced by T.
Protein change: p.Pro314=; no amino-acid change (proline 314 retained).
Molecular consequence: synonymous variant.
Genome position (GRCh38, 1-based): chr16:9,938,024, G>A on the plus strand (C>T on the coding strand, the complement: GRIN2A is on the minus strand). VCF-style: chr16-9938024-G-A. GRCh37 (hg19) VCF-style: chr16-10031881-G-A.
Other names: c.942C>T, p.Pro314= (NM_000833.5, NM_001134408.2).
Identifiers: ClinVar variation 374431 (VCV000374431.61), dbSNP rs145172949, ClinGen allele CA7896871.

ClinVar aggregate classification (germline): Benign/Likely benign. Review status: criteria provided, multiple submitters, no conflicts (2 of 4 stars). 6 submissions from 6 submitters: Benign (2); Likely benign (4). Last evaluated 2026-02-01.

Conditions:
Inborn genetic diseases. Identifiers: MedGen C0950123, MeSH D030342.
Landau-Kleffner syndrome (FESD). Also called: EPILEPSY, FOCAL, WITH SPEECH DISORDER AND WITH OR WITHOUT MENTAL RETARDATION; APHASIA, ACQUIRED, WITH EPILEPSY. Identifiers: Orphanet 1945, Orphanet 725, Orphanet 98818, MedGen C0282512, MONDO:0009509, OMIM 245570.

Allele frequency attached by ClinVar (database versions not stated): gnomAD 0.00032 and 0.00031; ExAC 0.00036; TOPMed 0.00026; ESP Exome Variant Server 0.00038.
gnomAD v4.1: 1,033 of 1,613,908 alleles (0.064%); highest among the groups gnomAD compares: Non-Finnish European, 0.081%; 1 homozygote.

Submissions (6):

CeGaT Center for Human Genetics Tuebingen
Classification: Likely benign. Last evaluated: 2026-02-01. Review status: criteria provided, single submitter. Criteria: CeGaT Center For Human Genetics Tuebingen Variant Classification Criteria Version 2. Collection method: clinical testing. Allele origin: germline. Affected: yes. Observed: 12 variant alleles.
Comment: GRIN2A: BP4, BP7

Labcorp Genetics (formerly Invitae), Labcorp
Classification: Likely benign for Landau-Kleffner syndrome. Last evaluated: 2026-01-26. Review status: criteria provided, single submitter. Criteria: Invitae Variant Classification Sherloc (09022015). Collection method: clinical testing. Allele origin: germline.

Blueprint Genetics
Classification: Likely benign. Last evaluated: 2024-10-09. Review status: criteria provided, single submitter. Criteria: ACMG Guidelines, 2015. Collection method: clinical testing. Allele origin: germline.

Illumina Laboratory Services, Illumina
Classification: Benign for Landau-Kleffner syndrome. Last evaluated: 2018-01-12. Review status: criteria provided, single submitter. Criteria: ICSL Variant Classification Criteria 13 December 2019. Collection method: clinical testing. Allele origin: germline.
Comment: This variant was observed in the ICSL laboratory as part of a predisposition screen in an ostensibly healthy population. It had not been previously curated by ICSL or reported in the Human Gene Mutation Database (HGMD: prior to June 1st, 2018), and was therefore a candidate for classification through an automated scoring system. Utilizing variant allele frequency, disease prevalence and penetrance estimates, and inheritance mode, an automated score was calculated to assess if this variant is too frequent to cause the disease. Based on the score and internal cut-off values, a variant classified as benign is not then subjected to further curation. The score for this variant resulted in a classification of benign for this disease.

Ambry Genetics
Classification: Likely benign for Inborn genetic diseases. Last evaluated: 2016-07-05. Review status: criteria provided, single submitter. Criteria: Ambry Variant Classification Scheme 2023. Collection method: clinical testing. Allele origin: germline.

GeneDx
Classification: Benign. Last evaluated: 2015-03-03. Review status: criteria provided, single submitter. Criteria: GeneDx Variant Classification Process June 2021. Collection method: clinical testing. Allele origin: germline. Affected: yes.